The following is an entry in ClinVar:

NM_004793.4(LONP1):c.429+2_429+5dup

Gene: LONP1 (lon peptidase 1, mitochondrial; minus strand). Cytogenetic location: 19p13.3.
Variant type: Duplication.
Coding change: c.429+2_429+5dup on transcript NM_004793.4 (MANE Select); the canonical splice donor site of the intron after coding-DNA position 429 through 5 bases into the intron after coding-DNA position 429, 4 bases duplicated (TAAT; older notation c.429+2_429+5dupTAAT).
Molecular consequence: splice donor variant. On other transcripts: intron variant (1).
Genome position (GRCh38, 1-based): chr19:5,719,699-5,719,702, ATTA duplicated on the plus strand (TAAT on the coding strand, the reverse complement: LONP1 is on the minus strand). VCF-style (leftmost placement, unchanged base first): chr19-5719698-C-CATTA. GRCh37 (hg19) VCF-style: chr19-5719709-C-CATTA.
Other names: c.-160+517_-160+520dup (NM_001276480.1); c.237+2_237+5dup (NM_001276479.2).
Identifiers: ClinVar variation 1407617 (VCV001407617.6), dbSNP rs769553549, ClinGen allele CA9115151.

ClinVar aggregate classification (germline): Uncertain significance (1 of 4 stars; one submission).

Allele frequency attached by ClinVar (database versions not stated): gnomAD 0.00001 and 0.00003; gnomAD exomes 0.00001 and 0.00004; TOPMed 0.00001; ExAC 0.00007; 1000 Genomes Project 30x 0.00031.

Submission:

Labcorp Genetics (formerly Invitae), Labcorp
Classification: Uncertain significance. Last evaluated: 2023-08-27. Review status: criteria provided, single submitter. Criteria: Invitae Variant Classification Sherloc (09022015). Collection method: clinical testing. Allele origin: germline.
Comment: ClinVar contains an entry for this variant (Variation ID: 1407617). In summary, the available evidence is currently insufficient to determine the role of this variant in disease. Therefore, it has been classified as a Variant of Uncertain Significance. Variants that disrupt the consensus splice site are a relatively common cause of aberrant splicing (PMID: 17576681, 9536098). Algorithms developed to predict the effect of sequence changes on RNA splicing suggest that this variant is not likely to affect RNA splicing. This variant has not been reported in the literature in individuals affected with LONP1-related conditions. This variant is present in population databases (rs769553549, gnomAD 0.03%). This sequence change falls in intron 1 of the LONP1 gene. It does not directly change the encoded amino acid sequence of the LONP1 protein. It affects a nucleotide within the consensus splice site.

Literature cited by the submitters: PubMed 17576681; PubMed 9536098.